The following is an entry in ClinVar:

ClinVar aggregate classification (germline): Benign/Likely benign. Review status: criteria provided, multiple submitters, no conflicts (2 of 4 stars). 3 submissions from 3 submitters: Benign (1); Likely benign (2). Last evaluated 2026-09-29.

Conditions:
Neurofibromatosis, type 1 (NF1). Also called: NEUROFIBROMATOSIS, TYPE I, SOMATIC; Peripheral type neurofibromatosis; VON RECKLINGHAUSEN DISEASE; Neurofibromatosis, type I. Identifiers: Orphanet 636, MedGen C0027831, MONDO:0018975, OMIM 162200. Disease mechanism: loss of function.
Hereditary cancer-predisposing syndrome. Also called: Tumor predisposition; Neoplastic Syndromes, Hereditary; Hereditary Cancer Syndrome; Hereditary neoplastic syndrome. Identifiers: Orphanet 140162, MedGen C0027672, MeSH D009386, MONDO:0015356.

Allele frequency attached by ClinVar (database versions not stated): TOPMed below 0.00001; ExAC 0.00001; gnomAD 0.00001.

Submissions (3):

Myriad Genetics, Inc.
Classification: Benign for Neurofibromatosis, type 1. Last evaluated: 2026-09-29. Review status: criteria provided, single submitter. Criteria: Myriad Autosomal Dominant, Autosomal Recessive and X-Linked Classification Criteria (2023). Collection method: clinical testing. Allele origin: unknown.
Comment: This variant is considered benign. This variant is a silent/synonymous amino acid change and it is not expected to impact splicing.

Labcorp Genetics (formerly Invitae), Labcorp
Classification: Likely benign for Neurofibromatosis, type 1. Last evaluated: 2023-12-23. Review status: criteria provided, single submitter. Criteria: Invitae Variant Classification Sherloc (09022015). Collection method: clinical testing. Allele origin: germline.

Ambry Genetics
Classification: Likely benign for Hereditary cancer-predisposing syndrome. Last evaluated: 2016-02-28. Review status: criteria provided, single submitter. Criteria: Ambry Autosomal Dominant and X-Linked criteria (10/2015). Collection method: clinical testing. Allele origin: germline. Observed: 1 variant allele.
Comment: Synonymous alterations with insufficient evidence to classify as benign

NM_001042492.3(NF1):c.4065A>G (p.Ser1355=)

Gene: NF1 (neurofibromin 1; plus strand). Cytogenetic location: 17q11.2.
Variant type: single nucleotide variant.
Coding change: c.4065A>G on transcript NM_001042492.3 (MANE Select); coding-DNA position 4065, A replaced by G.
Protein change: p.Ser1355=; no amino-acid change (serine 1355 retained).
Molecular consequence: synonymous variant.
Genome position (GRCh38, 1-based): chr17:31,249,074, A>G. VCF-style: chr17-31249074-A-G. GRCh37 (hg19) VCF-style: chr17-29576092-A-G.
Other names: c.4065A>G, p.Ser1355= (NM_000267.4).
Identifiers: ClinVar variation 480105 (VCV000480105.7), dbSNP rs777669937, ClinGen allele CA8486317.